The following is an entry in ClinVar:

ClinVar aggregate classification (germline): Likely pathogenic (1 of 4 stars; one submission).

Conditions:
Spastic paraplegia. Identifiers: MedGen C0037772, HP:0001258.

Submission:

Labcorp Genetics (formerly Invitae), Labcorp
Classification: Likely pathogenic for Spastic paraplegia. Last evaluated: 2022-07-09. Review status: criteria provided, single submitter. Criteria: Invitae Variant Classification Sherloc (09022015). Collection method: clinical testing. Allele origin: germline.
Comment: This sequence change replaces alanine, which is neutral and non-polar, with threonine, which is neutral and polar, at codon 178 of the ERLIN2 protein (p.Ala178Thr). This variant is not present in population databases (gnomAD no frequency). This missense change has been observed in individual(s) with clinical features of autosomal dominant hereditary spastic paraplegia (Invitae). In at least one individual the variant was observed to be de novo. Algorithms developed to predict the effect of missense changes on protein structure and function (SIFT, PolyPhen-2, Align-GVGD) all suggest that this variant is likely to be tolerated. In summary, the currently available evidence indicates that the variant is pathogenic, but additional data are needed to prove that conclusively. Therefore, this variant has been classified as Likely Pathogenic.

NM_007175.8(ERLIN2):c.532G>A (p.Ala178Thr)

Gene: ERLIN2 (ER lipid raft associated 2; plus strand). Cytogenetic location: 8p11.23.
Variant type: single nucleotide variant.
Coding change: c.532G>A on transcript NM_007175.8 (MANE Select); coding-DNA position 532, G replaced by A.
Protein change: p.Ala178Thr; replaces alanine 178 with threonine.
Molecular consequence: missense variant.
Genome position (GRCh38, 1-based): chr8:37,749,827, G>A. VCF-style: chr8-37749827-G-A. GRCh37 (hg19) VCF-style: chr8-37607345-G-A.
Other names: c.532G>A, p.Ala178Thr (NM_001362878.2); short protein forms A178T.
Identifiers: ClinVar variation 2010956 (VCV002010956.4), dbSNP rs2487326803, ClinGen allele CA370659165.